The following is an entry in ClinVar:

NM_018027.5(FRMD4A):c.1986C>A (p.Leu662=)

Gene: FRMD4A (FERM domain containing 4A; minus strand). Cytogenetic location: 10p13.
Variant type: single nucleotide variant.
Coding change: c.1986C>A on transcript NM_018027.5 (MANE Select); coding-DNA position 1986, C replaced by A.
Protein change: p.Leu662=; no amino-acid change (leucine 662 retained).
Molecular consequence: synonymous variant.
Genome position (GRCh38, 1-based): chr10:13,659,403, G>T on the plus strand (C>A on the coding strand, the complement: FRMD4A is on the minus strand). VCF-style: chr10-13659403-G-T. GRCh37 (hg19) VCF-style: chr10-13701403-G-T.
Other names: c.2034C>A, p.Leu678= (NM_001318336.2); c.2085C>A, p.Leu695= (NM_001318337.2); c.1059C>A, p.Leu353= (NM_001318338.2).
Identifiers: ClinVar variation 4853770 (VCV004853770.1).

ClinVar aggregate classification (germline): Likely benign (1 of 4 stars; one submission).

gnomAD v4.1: 4 of 1,613,990 alleles (0.00025%); highest among the groups gnomAD compares: African/African-American, 0.004%; no homozygotes.

Submission:

Women's Health and Genetics/Laboratory Corporation of America, LabCorp
Classification: Likely benign. Last evaluated: 2026-05-20. Review status: criteria provided, single submitter. Criteria: LabCorp Variant Classification Summary - May 2015. Collection method: clinical testing. Allele origin: germline.
Comment: Variant summary: FRMD4A c.1986C>A alters a conserved nucleotide resulting in a synonymous change. Consensus agreement among computation tools predict no significant impact on normal splicing. However, these predictions have yet to be confirmed by functional studies. The variant allele was found at a frequency of 4e-06 in 251248 control chromosomes. The available data on variant occurrences in the general population are insufficient to allow any conclusion about variant significance. To our knowledge, no occurrence of c.1986C>A in individuals affected with FRMD4A-related conditions and no experimental evidence demonstrating its impact on protein function have been reported. No submitters have cited clinical-significance assessments for this variant to ClinVar. Based on the evidence outlined above, the variant was classified as likely benign.